The following is an entry in ClinVar:

ClinVar aggregate classification (germline): Likely benign (0 of 4 stars; one submission).

Conditions:
CDC42BPB-related disorder.

Submission:

PreventionGenetics, part of Exact Sciences
Classification: Likely benign for CDC42BPB-related condition. Last evaluated: 2019-07-12. Review status: no assertion criteria provided. Collection method: clinical testing. Allele origin: germline.
Comment: This variant is classified as likely benign based on ACMG/AMP sequence variant interpretation guidelines (Richards et al. 2015 PMID: 25741868, with internal and published modifications).

NM_006035.4(CDC42BPB):c.4591+9T>G

Gene: CDC42BPB (CDC42 binding protein kinase beta; minus strand). Cytogenetic location: 14q32.32.
Variant type: single nucleotide variant.
Coding change: c.4591+9T>G on transcript NM_006035.4 (MANE Select); 9 bases into the intron after coding-DNA position 4591, T replaced by G.
Molecular consequence: intron variant.
Genome position (GRCh38, 1-based): chr14:102,940,037, A>C on the plus strand (T>G on the coding strand, the complement: CDC42BPB is on the minus strand). VCF-style: chr14-102940037-A-C. GRCh37 (hg19) VCF-style: chr14-103406374-A-C.
Other names: c.4513+9T>G (NM_001411054.1).
Identifiers: ClinVar variation 3049885 (VCV003049885.2), dbSNP rs2542737501, ClinGen allele CA2575631051.